The following is an entry in ClinVar:

ClinVar aggregate classification (germline): Uncertain significance (1 of 4 stars; one submission).

Allele frequency attached by ClinVar (database versions not stated): gnomAD exomes below 0.00001; ExAC 0.00001; gnomAD 0.00001.
gnomAD v4.1: 14 of 1,608,902 alleles (0.00087%); highest among the groups gnomAD compares: Admixed American, 0.0017%; no homozygotes.

Submission:

Labcorp Genetics (formerly Invitae), Labcorp
Classification: Uncertain significance. Last evaluated: 2022-10-13. Review status: criteria provided, single submitter. Criteria: Invitae Variant Classification Sherloc (09022015). Collection method: clinical testing. Allele origin: germline.
Comment: In summary, the available evidence is currently insufficient to determine the role of this variant in disease. Therefore, it has been classified as a Variant of Uncertain Significance. Algorithms developed to predict the effect of missense changes on protein structure and function (SIFT, PolyPhen-2, Align-GVGD) all suggest that this variant is likely to be tolerated. ClinVar contains an entry for this variant (Variation ID: 1052956). This variant has not been reported in the literature in individuals affected with RGS9-related conditions. The frequency data for this variant in the population databases is considered unreliable, as metrics indicate poor data quality at this position in the gnomAD database. This sequence change replaces proline, which is neutral and non-polar, with threonine, which is neutral and polar, at codon 566 of the RGS9 protein (p.Pro566Thr).

NM_003835.4(RGS9):c.1696C>A (p.Pro566Thr)

Gene: RGS9 (regulator of G protein signaling 9; plus strand). Cytogenetic location: 17q24.1.
Variant type: single nucleotide variant.
Coding change: c.1696C>A on transcript NM_003835.4 (MANE Select); coding-DNA position 1696, C replaced by A.
Protein change: p.Pro566Thr; replaces proline 566 with threonine.
Molecular consequence: missense variant.
Genome position (GRCh38, 1-based): chr17:65,225,290, C>A. VCF-style: chr17-65225290-C-A. GRCh37 (hg19) VCF-style: chr17-63221408-C-A.
Other names: c.1687C>A, p.Pro563Thr (NM_001081955.3); short protein forms P563T, P566T.
Identifiers: ClinVar variation 1052956 (VCV001052956.9), dbSNP rs745787640, ClinGen allele CA8718123.